The following is an entry in ClinVar:

ClinVar aggregate classification (germline): Likely benign. Review status: criteria provided, multiple submitters, no conflicts (2 of 4 stars). 3 submissions from 3 submitters: Likely benign (3). Last evaluated 2026-05-26.

Conditions:
DUOX2-related disorder. Also called: DUOX2-related condition.

Allele frequency attached by ClinVar (database versions not stated): gnomAD 0.00001; gnomAD exomes 0.00004; TOPMed 0.00006; ExAC 0.00007.
gnomAD v4.1: 63 of 1,612,582 alleles (0.0039%); highest among the groups gnomAD compares: Middle Eastern, 0.033%; 1 homozygote.

Submissions (3):

PreventionGenetics, part of Exact Sciences
Classification: Likely benign for DUOX2-related condition. Last evaluated: 2026-05-26. Review status: criteria provided, single submitter. Criteria: ACMG Guidelines, 2015. Collection method: clinical testing. Allele origin: germline.
Comment: This variant is classified as likely benign based on ACMG/AMP sequence variant interpretation guidelines (Richards et al. 2015 PMID: 25741868, with internal and published modifications).

Labcorp Genetics (formerly Invitae), Labcorp
Classification: Likely benign. Last evaluated: 2026-01-17. Review status: criteria provided, single submitter. Criteria: Invitae Variant Classification Sherloc (09022015). Collection method: clinical testing. Allele origin: germline.

Blueprint Genetics
Classification: Likely benign. Last evaluated: 2024-10-11. Review status: criteria provided, single submitter. Criteria: ACMG Guidelines, 2015. Collection method: clinical testing. Allele origin: germline.

NM_001363711.2(DUOX2):c.2335-9C>T

Gene: DUOX2 (dual oxidase 2; minus strand). Cytogenetic location: 15q21.1.
Variant type: single nucleotide variant.
Coding change: c.2335-9C>T on transcript NM_001363711.2 (MANE Select); 9 bases into the intron before coding-DNA position 2335, C replaced by T.
Molecular consequence: intron variant.
Genome position (GRCh38, 1-based): chr15:45,104,374, G>A on the plus strand (C>T on the coding strand, the complement: DUOX2 is on the minus strand). VCF-style: chr15-45104374-G-A. GRCh37 (hg19) VCF-style: chr15-45396572-G-A.
Other names: c.2335-9C>T (NM_014080.5).
Identifiers: ClinVar variation 725686 (VCV000725686.10), dbSNP rs766391742, ClinGen allele CA7538281.